The following is an entry in ClinVar:

ClinVar aggregate classification (germline): Conflicting classifications of pathogenicity. Review status: criteria provided, conflicting classifications (1 of 4 stars). 2 submissions from 2 submitters: Uncertain significance (1); Likely benign (1). Last evaluated 2026-02-01.

Allele frequency attached by ClinVar (database versions not stated): gnomAD exomes below 0.00001 and 0.00001; gnomAD 0.00001.

Submissions (2):

CeGaT Center for Human Genetics Tuebingen
Classification: Uncertain significance. Last evaluated: 2026-02-01. Review status: criteria provided, single submitter. Criteria: CeGaT Center For Human Genetics Tuebingen Variant Classification Criteria Version 2. Collection method: clinical testing. Allele origin: germline. Affected: yes. Observed: 1 variant allele.
Comment: MYO7A: PM2, BP4

Labcorp Genetics (formerly Invitae), Labcorp
Classification: Likely benign. Last evaluated: 2024-02-17. Review status: criteria provided, single submitter. Criteria: Invitae Variant Classification Sherloc (09022015). Collection method: clinical testing. Allele origin: germline.

NM_000260.4(MYO7A):c.1326G>A (p.Glu442=)

Gene: MYO7A (myosin VIIA; plus strand). Cytogenetic location: 11q13.5.
Variant type: single nucleotide variant.
Coding change: c.1326G>A on transcript NM_000260.4 (MANE Select); coding-DNA position 1326, G replaced by A.
Protein change: p.Glu442=; no amino-acid change (glutamic acid 442 retained).
Molecular consequence: synonymous variant.
Genome position (GRCh38, 1-based): chr11:77,161,098, G>A. VCF-style: chr11-77161098-G-A. GRCh37 (hg19) VCF-style: chr11-76872144-G-A.
Other names: c.1326G>A, p.Glu442= (NM_001127180.2); c.1293G>A, p.Glu431= (NM_001369365.1).
Identifiers: ClinVar variation 1108420 (VCV001108420.14), dbSNP rs1416789952, ClinGen allele CA475793543.
Genomic context (GRCh38, chr11:77,161,098, plus strand): 5'-CTCCCAGGATGTGAAGAACTCTCGCAGGTCCATCGGCCTCCTGGACATCTTTGGGTTTGA[G>A]AACTTTGCTGTGAACAGGTACCGCGTGGGGCTCTGCTCATGGGAATTTCCTTCCCCAATA-3'
Protein context (NP_000251.3, residues 432-452): SIGLLDIFGF[Glu442=]NFAVNSFEQL